The following is an entry in ClinVar:

NM_015450.3(POT1):c.1794del (p.Asp598fs)

Gene: POT1 (protection of telomeres 1; minus strand). Cytogenetic location: 7q31.33.
Variant type: Deletion.
Coding change: c.1794del on transcript NM_015450.3 (MANE Select); coding-DNA position 1794, one base deleted (T; older notation c.1794delT).
Protein change: p.Asp598fs; shifts the reading frame from aspartic acid 598.
Molecular consequence: frameshift variant. On other transcripts: non-coding transcript variant (3).
Genome position (GRCh38, 1-based): chr7:124,824,073, A deleted on the plus strand (T on the coding strand, the reverse complement: POT1 is on the minus strand). VCF-style (leftmost placement, unchanged base first): chr7-124824072-CA-C. GRCh37 (hg19) VCF-style: chr7-124464126-CA-C.
Other names: c.1401del, p.Asp467fs (NM_001042594.2); short protein forms D598fs, D467fs.
Identifiers: ClinVar variation 1503261 (VCV001503261.6), dbSNP rs2116403736, ClinGen allele CA2573141653.

ClinVar aggregate classification (germline): Uncertain significance (1 of 4 stars; one submission).

Conditions:
Tumor predisposition syndrome 3 (TPDS3). Also called: Melanoma, cutaneous malignant, susceptibility to, 10; LONG TELOMERE SYNDROME, POT1-RELATED; POT1 Tumor Predisposition; Glioma susceptibility 9. Identifiers: Orphanet 618, MedGen C4014476, MONDO:0014368, OMIM 615848.

Submission:

Labcorp Genetics (formerly Invitae), Labcorp
Classification: Uncertain significance for Tumor predisposition syndrome 3. Last evaluated: 2021-09-04. Review status: criteria provided, single submitter. Criteria: Invitae Variant Classification Sherloc (09022015). Collection method: clinical testing. Allele origin: germline.
Comment: This sequence change creates a premature translational stop signal (p.Asp598Glufs*36) in the POT1 gene. While this is not anticipated to result in nonsense mediated decay, it is expected to disrupt the last 37 amino acid(s) of the POT1 protein. This variant is not present in population databases (ExAC no frequency). This variant has not been reported in the literature in individuals affected with POT1-related conditions. Algorithms developed to predict the effect of sequence changes on RNA splicing suggest that this variant may create or strengthen a splice site. In summary, the available evidence is currently insufficient to determine the role of this variant in disease. Therefore, it has been classified as a Variant of Uncertain Significance.